The following is an entry in ClinVar:

NM_152743.4(BRAT1):c.1135C>T (p.Pro379Ser)

Gene: BRAT1 (BRCA1 associated ATM activator 1; minus strand). Cytogenetic location: 7p22.3.
Variant type: single nucleotide variant.
Coding change: c.1135C>T on transcript NM_152743.4 (MANE Select); coding-DNA position 1135, C replaced by T.
Protein change: p.Pro379Ser; replaces proline 379 with serine.
Molecular consequence: missense variant. On other transcripts: non-coding transcript variant (1).
Genome position (GRCh38, 1-based): chr7:2,541,484, G>A on the plus strand (C>T on the coding strand, the complement: BRAT1 is on the minus strand). VCF-style: chr7-2541484-G-A. GRCh37 (hg19) VCF-style: chr7-2581118-G-A.
Other names: c.1135C>T, p.Pro379Ser (NM_001350626.2); c.610C>T, p.Pro204Ser (NM_001350627.2); short protein forms P204S, P379S.
Identifiers: ClinVar variation 1495363 (VCV001495363.6), dbSNP rs2128391502, ClinGen allele CA366629480.

ClinVar aggregate classification (germline): Uncertain significance (1 of 4 stars; one submission).

Conditions:
Neonatal-onset encephalopathy with rigidity and seizures. Also called: Lethal neonatal spasticity-epileptic encephalopathy syndrome. Identifiers: Orphanet 435845, MedGen C3281029, MONDO:0013784, OMIM 614498.

Submission:

Labcorp Genetics (formerly Invitae), Labcorp
Classification: Uncertain significance for Neonatal-onset encephalopathy with rigidity and seizures. Last evaluated: 2023-11-27. Review status: criteria provided, single submitter. Criteria: Invitae Variant Classification Sherloc (09022015). Collection method: clinical testing. Allele origin: germline.
Comment: This sequence change replaces proline, which is neutral and non-polar, with serine, which is neutral and polar, at codon 379 of the BRAT1 protein (p.Pro379Ser). This variant is not present in population databases (gnomAD no frequency). This variant has not been reported in the literature in individuals affected with BRAT1-related conditions. ClinVar contains an entry for this variant (Variation ID: 1495363). Algorithms developed to predict the effect of missense changes on protein structure and function output the following: SIFT: "Not Available"; PolyPhen-2: "Benign"; Align-GVGD: "Not Available". The serine amino acid residue is found in multiple mammalian species, which suggests that this missense change does not adversely affect protein function. In summary, the available evidence is currently insufficient to determine the role of this variant in disease. Therefore, it has been classified as a Variant of Uncertain Significance.